The following is an entry in ClinVar:

ClinVar aggregate classification (germline): Conflicting classifications of pathogenicity. Review status: criteria provided, conflicting classifications (1 of 4 stars). 4 submissions from 4 submitters: Uncertain significance (3); Likely benign (1). Last evaluated 2025-12-29.

Conditions:
Hereditary cancer-predisposing syndrome. Also called: Tumor predisposition; Neoplastic Syndromes, Hereditary; Hereditary neoplastic syndrome; Hereditary Cancer Syndrome. Identifiers: Orphanet 140162, MedGen C0027672, MeSH D009386, MONDO:0015356.
Familial cancer of breast. Also called: hereditary breast carcinoma; BREAST CANCER, FAMILIAL; Hereditary breast cancer. Identifiers: Orphanet 227535, MedGen C0346153, MONDO:0016419, OMIM 114480. Disease mechanism: loss of function.

Allele frequency attached by ClinVar (database versions not stated): TOPMed below 0.00001.

Submissions (4):

Labcorp Genetics (formerly Invitae), Labcorp
Classification: Uncertain significance for Familial cancer of breast. Last evaluated: 2025-12-29. Review status: criteria provided, single submitter. Criteria: Invitae Variant Classification Sherloc (09022015). Collection method: clinical testing. Allele origin: germline.
Comment: This sequence change replaces isoleucine, which is neutral and non-polar, with threonine, which is neutral and polar, at codon 374 of the PALB2 protein (p.Ile374Thr). This variant is not present in population databases (gnomAD no frequency). This variant has not been reported in the literature in individuals affected with PALB2-related conditions. ClinVar contains an entry for this variant (Variation ID: 633343). Invitae Evidence Modeling of protein sequence and biophysical properties (such as structural, functional, and spatial information, amino acid conservation, physicochemical variation, residue mobility, and thermodynamic stability) indicates that this missense variant is not expected to disrupt PALB2 protein function with a negative predictive value of 80%. In summary, the available evidence is currently insufficient to determine the role of this variant in disease. Therefore, it has been classified as a Variant of Uncertain Significance.

Ambry Genetics
Classification: Likely benign for Hereditary cancer-predisposing syndrome. Last evaluated: 2024-03-27. Review status: criteria provided, single submitter. Criteria: Ambry Variant Classification Scheme 2023. Collection method: clinical testing. Allele origin: germline.

Color Diagnostics, LLC DBA Color Health
Classification: Uncertain significance for Hereditary cancer-predisposing syndrome. Last evaluated: 2023-12-04. Review status: criteria provided, single submitter. Criteria: ACMG Guidelines, 2015. Collection method: clinical testing. Allele origin: germline.
Comment: This missense variant replaces isoleucine with threonine at codon 374 of the PALB2 protein. Computational prediction suggests that this variant may not impact protein structure and function (internally defined REVEL score threshold <= 0.5, PMID: 27666373). To our knowledge, functional studies have not been reported for this variant. This variant has not been reported in individuals affected with PALB2-related disorders in the literature. This variant has not been identified in the general population by the Genome Aggregation Database (gnomAD). The available evidence is insufficient to determine the role of this variant in disease conclusively. Therefore, this variant is classified as a Variant of Uncertain Significance.

Women's Health and Genetics/Laboratory Corporation of America, LabCorp
Classification: Uncertain significance. Last evaluated: 2017-12-15. Review status: criteria provided, single submitter. Criteria: LabCorp Variant Classification Summary - May 2015. Collection method: clinical testing. Allele origin: germline.
Comment: Variant summary: The PALB2 c.1121T>C (p.Ile374Thr) variant involves the alteration of a non-conserved nucleotide not located in any known domain (InterPro). 2/3 in silico tools predict a benign outcome for this variant (SNPsandGO not captured due to low reliability index). This variant is absent in 246110 control chromosomes. The variant of interest has not, to our knowledge, been reported in affected individuals via publications and/or reputable databases/clinical diagnostic laboratories; nor evaluated for functional impact by in vivo/vitro studies. Because of the absence of clinical information and the lack of functional studies, the variant is classified as a variant of uncertain significance (VUS) until additional information becomes available.

NM_024675.4(PALB2):c.1121T>C (p.Ile374Thr)

Gene: PALB2 (partner and localizer of BRCA2; minus strand). Cytogenetic location: 16p12.2.
Variant type: single nucleotide variant.
Coding change: c.1121T>C on transcript NM_024675.4 (MANE Select); coding-DNA position 1121, T replaced by C.
Protein change: p.Ile374Thr; replaces isoleucine 374 with threonine.
Molecular consequence: missense variant.
Genome position (GRCh38, 1-based): chr16:23,635,425, A>G on the plus strand (T>C on the coding strand, the complement: PALB2 is on the minus strand). VCF-style: chr16-23635425-A-G. GRCh37 (hg19) VCF-style: chr16-23646746-A-G.
Other names: short protein forms I374T.
Identifiers: ClinVar variation 633343 (VCV000633343.19), dbSNP rs1567221558, ClinGen allele CA395133702.
Genomic context (GRCh38, chr16:23,635,425, plus strand): 5'-TGTTTTTCTGCAGAAAGAGGAGAGGTTGCTTCCAGGCTAAGACTCTTAGGTTGACTTAGA[A>G]TCTCACTTTCCTGAAGATTTTCATTCCTGCCATCAAGAGTGTCACTGGGAGATTTTAAAG-3'
Protein context (NP_078951.2, residues 364-384): GRNENLQESE[Ile374Thr]LSQPKSLSLE